The following is an entry in ClinVar:

NM_015474.4(SAMHD1):c.1862T>A (p.Phe621Tyr)

Genes: SAMHD1 (SAM and HD domain containing deoxynucleoside triphosphate triphosphohydrolase 1; minus strand), TLDC2 (TBC/LysM-associated domain containing 2; plus strand). Cytogenetic location: 20q11.23.
Variant type: single nucleotide variant.
Coding change: c.1862T>A on transcript NM_015474.4 (MANE Select); coding-DNA position 1862, T replaced by A.
Protein change: p.Phe621Tyr; replaces phenylalanine 621 with tyrosine.
Molecular consequence: missense variant. On other transcripts: 3 prime UTR variant (3).
Genome position (GRCh38, 1-based): chr20:36,892,951, A>T on the plus strand (T>A on the coding strand, the complement: SAMHD1 is on the minus strand). VCF-style: chr20-36892951-A-T. GRCh37 (hg19) VCF-style: chr20-35521354-A-T.
Other names: c.*107A>T (NM_001304783.1, NM_080628.3); c.1757T>A, p.Phe586Tyr (NM_001363729.2); c.*955T>A (NM_001363733.2); short protein forms F586Y, F621Y.
Identifiers: ClinVar variation 1058962 (VCV001058962.9), dbSNP rs2148352114, ClinGen allele CA408838221.

ClinVar aggregate classification (germline): Uncertain significance (1 of 4 stars; one submission).

Conditions:
Aicardi-Goutieres syndrome 5. Identifiers: Orphanet 51, MedGen C2749659, MONDO:0013059, OMIM 612952.

Submission:

Labcorp Genetics (formerly Invitae), Labcorp
Classification: Uncertain significance for Aicardi-Goutieres syndrome 5. Last evaluated: 2020-10-15. Review status: criteria provided, single submitter. Criteria: Invitae Variant Classification Sherloc (09022015). Collection method: clinical testing. Allele origin: germline.
Comment: This variant is not present in population databases (ExAC no frequency). This sequence change replaces phenylalanine with tyrosine at codon 621 of the SAMHD1 protein (p.Phe621Tyr). The phenylalanine residue is weakly conserved and there is a small physicochemical difference between phenylalanine and tyrosine. In summary, the available evidence is currently insufficient to determine the role of this variant in disease. Therefore, it has been classified as a Variant of Uncertain Significance. Algorithms developed to predict the effect of missense changes on protein structure and function are either unavailable or do not agree on the potential impact of this missense change (SIFT: "Tolerated"; PolyPhen-2: "Probably Damaging"; Align-GVGD: "Class C0"). This variant has not been reported in the literature in individuals with SAMHD1-related conditions.